The following is an entry in ClinVar:

ClinVar aggregate classification (germline): Uncertain significance. Review status: criteria provided, multiple submitters, no conflicts (2 of 4 stars). 2 submissions from 2 submitters: Uncertain significance (2). Last evaluated 2024-12-12.

gnomAD v4.1: 25 of 1,614,086 alleles (0.0015%); highest among the groups gnomAD compares: Non-Finnish European, 0.002%; no homozygotes.

Submissions (2):

Ambry Genetics
Classification: Uncertain significance. Last evaluated: 2024-12-12. Review status: criteria provided, single submitter. Criteria: Ambry Variant Classification Scheme 2023. Collection method: clinical testing. Allele origin: germline.

Labcorp Genetics (formerly Invitae), Labcorp
Classification: Uncertain significance. Last evaluated: 2024-06-13. Review status: criteria provided, single submitter. Criteria: Invitae Variant Classification Sherloc (09022015). Collection method: clinical testing. Allele origin: germline.
Comment: This sequence change replaces proline, which is neutral and non-polar, with alanine, which is neutral and non-polar, at codon 14 of the MCM2 protein (p.Pro14Ala). This variant is present in population databases (rs778688260, gnomAD 0.007%). This variant has not been reported in the literature in individuals affected with MCM2-related conditions. An algorithm developed to predict the effect of missense changes on protein structure and function (PolyPhen-2) suggests that this variant is likely to be tolerated. In summary, the available evidence is currently insufficient to determine the role of this variant in disease. Therefore, it has been classified as a Variant of Uncertain Significance.

NM_004526.4(MCM2):c.40C>G (p.Pro14Ala)

Gene: MCM2 (minichromosome maintenance complex component 2; plus strand). Cytogenetic location: 3q21.3.
Variant type: single nucleotide variant.
Coding change: c.40C>G on transcript NM_004526.4 (MANE Select); coding-DNA position 40, C replaced by G.
Protein change: p.Pro14Ala; replaces proline 14 with alanine.
Molecular consequence: missense variant. On other transcripts: non-coding transcript variant (1).
Genome position (GRCh38, 1-based): chr3:127,599,351, C>G. VCF-style: chr3-127599351-C-G. GRCh37 (hg19) VCF-style: chr3-127318194-C-G.
Other names: c.40C>G (NM_004526.2); short protein forms P14A.
Identifiers: ClinVar variation 3609002 (VCV003609002.3).